The following is an entry in ClinVar:

ClinVar aggregate classification (germline): Pathogenic (1 of 4 stars; one submission).

Conditions:
Oculocutaneous albinism type 8. Also called: OCULOCUTANEOUS ALBINISM, TYPE VIII. Identifiers: Orphanet 597733, MedGen C5436929, MONDO:0030899, OMIM 619165.

Allele frequency attached by ClinVar (database versions not stated): ExAC 0.00001; gnomAD 0.00001; gnomAD exomes 0.00001; TOPMed 0.00001.
gnomAD v4.1: 10 of 1,614,138 alleles (0.00062%); highest among the groups gnomAD compares: Admixed American, 0.005%; no homozygotes.

Submission:

Women's Health and Genetics/Laboratory Corporation of America, LabCorp
Classification: Pathogenic for Oculocutaneous albinism type 8. Last evaluated: 2024-03-05. Review status: criteria provided, single submitter. Criteria: LabCorp Variant Classification Summary - May 2015. Collection method: clinical testing. Allele origin: germline.
Comment: Variant summary: DCT c.212G>A (p.Trp71X) results in a premature termination codon, predicted to cause a truncation of the encoded protein or absence of the protein due to nonsense mediated decay, which are commonly known mechanisms for disease. The variant allele was found at a frequency of 4e-06 in 251354 control chromosomes. To our knowledge, no occurrence of c.212G>A in individuals affected with Oculocutaneous Albinism Type 8 and no experimental evidence demonstrating its impact on protein function have been reported. No submitters have cited clinical-significance assessments for this variant to ClinVar. Based on the evidence outlined above, the variant was classified as pathogenic.

NM_001922.5(DCT):c.212G>A (p.Trp71Ter)

Gene: DCT (dopachrome tautomerase; minus strand). Cytogenetic location: 13q32.1.
Variant type: single nucleotide variant.
Coding change: c.212G>A on transcript NM_001922.5 (MANE Select); coding-DNA position 212, G replaced by A.
Protein change: p.Trp71Ter; replaces tryptophan 71 with a stop codon.
Molecular consequence: nonsense. On other transcripts: intron variant (5).
Genome position (GRCh38, 1-based): chr13:94,479,044, C>T on the plus strand (G>A on the coding strand, the complement: DCT is on the minus strand). VCF-style: chr13-94479044-C-T. GRCh37 (hg19) VCF-style: chr13-95131298-C-T.
Other names: c.212G>A, p.Trp71Ter (NM_001129889.3); c.-338-12386G>A (NM_001322182.2); c.-638-9999G>A (NM_001322185.2, NM_001322184.2); c.-339+10333G>A (NM_001322183.2); c.107-9999G>A (NM_001322186.2); short protein forms W71*.
Identifiers: ClinVar variation 3233659 (VCV003233659.3), dbSNP rs758102115, ClinGen allele CA7017731.